The following is an entry in ClinVar:

NM_031296.3(RAB33B):c.416A>G (p.Asn139Ser)

Gene: RAB33B (RAB33B, member RAS oncogene family; plus strand). Cytogenetic location: 4q31.1.
Variant type: single nucleotide variant.
Coding change: c.416A>G on transcript NM_031296.3 (MANE Select); coding-DNA position 416, A replaced by G.
Protein change: p.Asn139Ser; replaces asparagine 139 with serine.
Molecular consequence: missense variant.
Genome position (GRCh38, 1-based): chr4:139,472,852, A>G. VCF-style: chr4-139472852-A-G. GRCh37 (hg19) VCF-style: chr4-140394006-A-G.
Other names: c.416A>G (NM_031296.1); short protein forms N139S.
Identifiers: ClinVar variation 1986344 (VCV001986344.5), dbSNP rs779490913, ClinGen allele CA3084014.
Genomic context (GRCh38, chr4:139,472,852, plus strand): 5'-TGGCTAGTTTTCATAGCCTACCATCTTGGATAGAAGAATGCAAACAACATTTGCTAGCCA[A>G]TGATATACCACGGATTCTTGTTGGAAATAAATGTGACTTGAGAAGTGCCATACAGGTACC-3'
Protein context (NP_112586.1, residues 129-149): IEECKQHLLA[Asn139Ser]DIPRILVGNK

ClinVar aggregate classification (germline): Conflicting classifications of pathogenicity. Review status: criteria provided, conflicting classifications (1 of 4 stars). 2 submissions from 2 submitters: Uncertain significance (1); Likely benign (1). Last evaluated 2025-03-31.

Conditions:
Inborn genetic diseases. Identifiers: MedGen C0950123, MeSH D030342.

Allele frequency attached by ClinVar (database versions not stated): ExAC 0.00001; gnomAD 0.00001; gnomAD exomes 0.00001; TOPMed 0.00002.
gnomAD v4.1: 14 of 1,614,100 alleles (0.00087%); highest among the groups gnomAD compares: South Asian, 0.0055%; 1 homozygote.

Submissions (2):

Labcorp Genetics (formerly Invitae), Labcorp
Classification: Uncertain significance. Last evaluated: 2025-03-31. Review status: criteria provided, single submitter. Criteria: Invitae Variant Classification Sherloc (09022015). Collection method: clinical testing. Allele origin: germline.
Comment: This sequence change replaces asparagine, which is neutral and polar, with serine, which is neutral and polar, at codon 139 of the RAB33B protein (p.Asn139Ser). This variant is present in population databases (rs779490913, gnomAD 0.01%), including at least one homozygous and/or hemizygous individual. This variant has not been reported in the literature in individuals affected with RAB33B-related conditions. ClinVar contains an entry for this variant (Variation ID: 1986344). An algorithm developed to predict the effect of missense changes on protein structure and function outputs the following: PolyPhen-2: "Benign". The serine amino acid residue is found in multiple mammalian species, which suggests that this missense change does not adversely affect protein function. In summary, the available evidence is currently insufficient to determine the role of this variant in disease. Therefore, it has been classified as a Variant of Uncertain Significance.

Ambry Genetics
Classification: Likely benign for Inborn genetic diseases. Last evaluated: 2024-07-16. Review status: criteria provided, single submitter. Criteria: Ambry Variant Classification Scheme 2023. Collection method: clinical testing. Allele origin: germline.